The following is an entry in ClinVar:

ClinVar aggregate classification (germline): Likely benign (0 of 4 stars; one submission).

Conditions:
KIRREL1-related disorder. Also called: KIRREL1-related condition.

Allele frequency attached by ClinVar (database versions not stated): ExAC 0.00030; ESP Exome Variant Server 0.00077; gnomAD 0.00088; TOPMed 0.00101; 1000 Genomes Project 30x 0.00156; 1000 Genomes Project 0.00160.
gnomAD v4.1: 266 of 1,614,124 alleles (0.016%); highest among the groups gnomAD compares: African/African-American, 0.28%; no homozygotes.

Submission:

PreventionGenetics, part of Exact Sciences
Classification: Likely benign for KIRREL1-related condition. Last evaluated: 2022-12-20. Review status: no assertion criteria provided. Collection method: clinical testing. Allele origin: germline.
Comment: This variant is classified as likely benign based on ACMG/AMP sequence variant interpretation guidelines (Richards et al. 2015 PMID: 25741868, with internal and published modifications).

NM_018240.7(KIRREL1):c.232G>A (p.Ala78Thr)

Gene: KIRREL1 (kirre like nephrin family adhesion molecule 1; plus strand). Cytogenetic location: 1q23.1.
Variant type: single nucleotide variant.
Coding change: c.232G>A on transcript NM_018240.7 (MANE Select); coding-DNA position 232, G replaced by A.
Protein change: p.Ala78Thr; replaces alanine 78 with threonine.
Molecular consequence: missense variant. On other transcripts: intron variant (1).
Genome position (GRCh38, 1-based): chr1:158,078,020, G>A. VCF-style: chr1-158078020-G-A. GRCh37 (hg19) VCF-style: chr1-158047810-G-A.
Other names: c.53-6402G>A (NM_001286349.2); short protein forms A78T.
Identifiers: ClinVar variation 3034946 (VCV003034946.2), dbSNP rs35927201, ClinGen allele CA1177351.
Genomic context (GRCh38, chr1:158,078,020, plus strand): 5'-AGGTTGGGCCTCATTCTTTCTGTTTCTGCAGCCTGGCCACGGTACCGGGTTGTGGGCTCC[G>A]CAGACGCTGGGCAGTACAACCTGGAGATCACAGATGCTGAGCTCTCTGACGACGCCTCTT-3'
Protein context (NP_060710.3, residues 68-88): AWPRYRVVGS[Ala78Thr]DAGQYNLEIT